The following is an entry in ClinVar:

NM_002471.4(MYH6):c.2399G>T (p.Arg800Leu)

Gene: MYH6 (myosin heavy chain 6; minus strand). Cytogenetic location: 14q11.2.
Variant type: single nucleotide variant.
Coding change: c.2399G>T on transcript NM_002471.4 (MANE Select); coding-DNA position 2399, G replaced by T.
Protein change: p.Arg800Leu; replaces arginine 800 with leucine.
Molecular consequence: missense variant.
Genome position (GRCh38, 1-based): chr14:23,396,314, C>A on the plus strand (G>T on the coding strand, the complement: MYH6 is on the minus strand). VCF-style: chr14-23396314-C-A. GRCh37 (hg19) VCF-style: chr14-23865523-C-A.
Other names: short protein forms R800L.
Identifiers: ClinVar variation 1359890 (VCV001359890.10), dbSNP rs535438755, ClinGen allele CA389016128.

ClinVar aggregate classification (germline): Uncertain significance. Review status: criteria provided, multiple submitters, no conflicts (2 of 4 stars). 2 submissions from 2 submitters: Uncertain significance (2). Last evaluated 2022-05-30.

Conditions:
Hypertrophic cardiomyopathy 14. Identifiers: MedGen C2750467, MONDO:0013197, OMIM 613251.
Cardiovascular phenotype. Identifiers: MedGen CN230736.

Submissions (2):

Ambry Genetics
Classification: Uncertain significance for Cardiovascular phenotype. Last evaluated: 2022-05-30. Review status: criteria provided, single submitter. Criteria: Ambry Variant Classification Scheme 2023. Collection method: clinical testing. Allele origin: germline.
Comment: The p.R800L variant (also known as c.2399G>T), located in coding exon 18 of the MYH6 gene, results from a G to T substitution at nucleotide position 2399. The arginine at codon 800 is replaced by leucine, an amino acid with dissimilar properties. This amino acid position is conserved. In addition, this alteration is predicted to be deleterious by in silico analysis. Since supporting evidence is limited at this time, the clinical significance of this alteration remains unclear.

Labcorp Genetics (formerly Invitae), Labcorp
Classification: Uncertain significance for Hypertrophic cardiomyopathy 14. Last evaluated: 2022-04-27. Review status: criteria provided, single submitter. Criteria: Invitae Variant Classification Sherloc (09022015). Collection method: clinical testing. Allele origin: germline.
Comment: This sequence change replaces arginine, which is basic and polar, with leucine, which is neutral and non-polar, at codon 800 of the MYH6 protein (p.Arg800Leu). This variant has not been reported in the literature in individuals affected with MYH6-related conditions. This variant is not present in population databases (gnomAD no frequency). In summary, the available evidence is currently insufficient to determine the role of this variant in disease. Therefore, it has been classified as a Variant of Uncertain Significance. Algorithms developed to predict the effect of missense changes on protein structure and function are either unavailable or do not agree on the potential impact of this missense change (SIFT: "Deleterious"; PolyPhen-2: "Probably Damaging"; Align-GVGD: "Class C0").